The following is an entry in ClinVar:

ClinVar aggregate classification (germline): Uncertain significance. Review status: criteria provided, multiple submitters, no conflicts (2 of 4 stars). 3 submissions from 3 submitters: Uncertain significance (3). Last evaluated 2024-04-16.

Conditions:
Inborn genetic diseases. Identifiers: MedGen C0950123, MeSH D030342.
Lysinuric protein intolerance (LPI). Identifiers: Orphanet 470, MedGen C0268647, MONDO:0009109, OMIM 222700.

Allele frequency attached by ClinVar (database versions not stated): gnomAD 0.00002; ExAC 0.00007; 1000 Genomes Project 0.00020; 1000 Genomes Project 30x 0.00031.
gnomAD v4.1: 22 of 1,613,896 alleles (0.0014%); highest among the groups gnomAD compares: East Asian, 0.038%; no homozygotes.

Submissions (3):

Blueprint Genetics
Classification: Uncertain significance. Last evaluated: 2024-04-16. Review status: criteria provided, single submitter. Criteria: ACMG Guidelines, 2015. Collection method: clinical testing. Allele origin: germline.

Ambry Genetics
Classification: Uncertain significance for Inborn genetic diseases. Last evaluated: 2024-03-29. Review status: criteria provided, single submitter. Criteria: Ambry Variant Classification Scheme 2023. Collection method: clinical testing. Allele origin: germline.

Labcorp Genetics (formerly Invitae), Labcorp
Classification: Uncertain significance for Lysinuric protein intolerance. Last evaluated: 2021-08-27. Review status: criteria provided, single submitter. Criteria: Invitae Variant Classification Sherloc (09022015). Collection method: clinical testing. Allele origin: germline.
Comment: This sequence change replaces asparagine with serine at codon 141 of the SLC7A7 protein (p.Asn141Ser). The asparagine residue is moderately conserved and there is a small physicochemical difference between asparagine and serine. This variant is present in population databases (rs553743160, ExAC 0.09%). This variant has not been reported in the literature in individuals affected with SLC7A7-related conditions. Algorithms developed to predict the effect of missense changes on protein structure and function (SIFT, PolyPhen-2, Align-GVGD) all suggest that this variant is likely to be tolerated. Algorithms developed to predict the effect of sequence changes on RNA splicing suggest that this variant may create or strengthen a splice site. In summary, the available evidence is currently insufficient to determine the role of this variant in disease. Therefore, it has been classified as a Variant of Uncertain Significance.

NM_003982.4(SLC7A7):c.422A>G (p.Asn141Ser)

Gene: SLC7A7 (solute carrier family 7 member 7; minus strand). Cytogenetic location: 14q11.2.
Variant type: single nucleotide variant.
Coding change: c.422A>G on transcript NM_003982.4 (MANE Select); coding-DNA position 422, A replaced by G.
Protein change: p.Asn141Ser; replaces asparagine 141 with serine.
Molecular consequence: missense variant.
Genome position (GRCh38, 1-based): chr14:22,812,977, T>C on the plus strand (A>G on the coding strand, the complement: SLC7A7 is on the minus strand). VCF-style: chr14-22812977-T-C. GRCh37 (hg19) VCF-style: chr14-23282186-T-C.
Other names: c.422A>G, p.Asn141Ser (NM_001126105.3, NM_001126106.4); short protein forms N141S.
Identifiers: ClinVar variation 2194722 (VCV002194722.3), dbSNP rs553743160, ClinGen allele CA7104712.